The following is an entry in ClinVar:

ClinVar aggregate classification (germline): Uncertain significance (1 of 4 stars; one submission).

Conditions:
Osteogenesis imperfecta type 7 (OI7). Also called: OSTEOGENESIS IMPERFECTA, TYPE IIB; Osteogenesis imperfecta type 2B; OI type 2B; Osteogenesis imperfecta, perinatal lethal autosomal recessive; OI type IIB; OI type 7. Identifiers: MedGen C1853162, MONDO:0012536, OMIM 610682.

Allele frequency attached by ClinVar (database versions not stated): ExAC 0.00004; 1000 Genomes Project 0.00020; 1000 Genomes Project 30x 0.00031.
gnomAD v4.1: 21 of 1,612,450 alleles (0.0013%); highest among the groups gnomAD compares: African/African-American, 0.0027%; no homozygotes.

Submission:

Labcorp Genetics (formerly Invitae), Labcorp
Classification: Uncertain significance for Osteogenesis imperfecta type 7. Last evaluated: 2022-07-21. Review status: criteria provided, single submitter. Criteria: Invitae Variant Classification Sherloc (09022015). Collection method: clinical testing. Allele origin: germline.
Comment: This sequence change falls in intron 3 of the CRTAP gene. It does not directly change the encoded amino acid sequence of the CRTAP protein. It affects a nucleotide within the consensus splice site. This variant is present in population databases (rs202206745, gnomAD 0.007%). This variant has not been reported in the literature in individuals affected with CRTAP-related conditions. Variants that disrupt the consensus splice site are a relatively common cause of aberrant splicing (PMID: 17576681, 9536098). Algorithms developed to predict the effect of sequence changes on RNA splicing suggest that this variant is not likely to affect RNA splicing. In summary, the available evidence is currently insufficient to determine the role of this variant in disease. Therefore, it has been classified as a Variant of Uncertain Significance.

Literature cited by the submitters: PubMed 17576681; PubMed 9536098.

NM_006371.5(CRTAP):c.794-3C>T

Gene: CRTAP (cartilage associated protein; plus strand). Cytogenetic location: 3p22.3.
Variant type: single nucleotide variant.
Coding change: c.794-3C>T on transcript NM_006371.5 (MANE Select); 3 bases into the intron before coding-DNA position 794, C replaced by T.
Molecular consequence: intron variant.
Genome position (GRCh38, 1-based): chr3:33,129,936, C>T. VCF-style: chr3-33129936-C-T. GRCh37 (hg19) VCF-style: chr3-33171428-C-T.
Other names: c.794-3C>T (NM_001393363.1); c.794-2619C>T (NM_001393364.1); c.644-3C>T (NM_001393365.1).
Identifiers: ClinVar variation 2417387 (VCV002417387.3), dbSNP rs202206745, ClinGen allele CA2300411.